The following is an entry in ClinVar:

ClinVar aggregate classification (germline): Uncertain significance (1 of 4 stars; one submission).

Conditions:
Hereditary cancer-predisposing syndrome. Also called: Neoplastic Syndromes, Hereditary; Tumor predisposition; Hereditary Cancer Syndrome; Hereditary neoplastic syndrome. Identifiers: Orphanet 140162, MedGen C0027672, MeSH D009386, MONDO:0015356.

Submission:

Ambry Genetics
Classification: Uncertain significance for Hereditary cancer-predisposing syndrome. Last evaluated: 2026-03-07. Review status: criteria provided, single submitter. Criteria: Ambry Variant Classification Scheme 2023. Collection method: clinical testing. Allele origin: germline.
Comment: The p.M435I variant (also known as c.1305G>T), located in coding exon 6 of the ALK gene, results from a G to T substitution at nucleotide position 1305. The methionine at codon 435 is replaced by isoleucine, an amino acid with highly similar properties. This amino acid position is conserved. In addition, this alteration is predicted to be tolerated by in silico analysis. Based on the available evidence, the clinical significance of this variant remains unclear.

NM_004304.5(ALK):c.1305G>T (p.Met435Ile)

Gene: ALK (ALK receptor tyrosine kinase; minus strand). Cytogenetic location: 2p23.2.
Variant type: single nucleotide variant.
Coding change: c.1305G>T on transcript NM_004304.5 (MANE Select); coding-DNA position 1305, G replaced by T.
Protein change: p.Met435Ile; replaces methionine 435 with isoleucine.
Molecular consequence: missense variant.
Genome position (GRCh38, 1-based): chr2:29,328,459, C>A on the plus strand (G>T on the coding strand, the complement: ALK is on the minus strand). VCF-style: chr2-29328459-C-A. GRCh37 (hg19) VCF-style: chr2-29551325-C-A.
Other names: short protein forms M435I.
Identifiers: ClinVar variation 4827107 (VCV004827107.1).